The following is an entry in ClinVar:

NM_000494.4(COL17A1):c.2578G>A (p.Gly860Ser)

Gene: COL17A1 (collagen type XVII alpha 1 chain; minus strand). Cytogenetic location: 10q25.1.
Variant type: single nucleotide variant.
Coding change: c.2578G>A on transcript NM_000494.4 (MANE Select); coding-DNA position 2578, G replaced by A.
Protein change: p.Gly860Ser; replaces glycine 860 with serine.
Molecular consequence: missense variant.
Genome position (GRCh38, 1-based): chr10:104,041,512, C>T on the plus strand (G>A on the coding strand, the complement: COL17A1 is on the minus strand). VCF-style: chr10-104041512-C-T. GRCh37 (hg19) VCF-style: chr10-105801270-C-T.
Other names: c.2578G>A, p.Gly860Ser (LRG_1249t1); short protein forms G860S.
Identifiers: ClinVar variation 450542 (VCV000450542.2), dbSNP rs1554847822, ClinGen allele CA378068426.

ClinVar aggregate classification (germline): Likely pathogenic (1 of 4 stars; one submission).

Submission:

GeneDx
Classification: Likely pathogenic. Last evaluated: 2017-07-20. Review status: criteria provided, single submitter. Criteria: GeneDx Variant Classification (06012015). Collection method: clinical testing. Allele origin: germline. Affected: yes.
Comment: The G860S variant in the COL17A1 gene has not been reported previously as a pathogenic variant, nor as a benign variant, to our knowledge. The G860S variant is not observed in large population cohorts (Lek et al., 2016; 1000 Genomes Consortium et al., 2015; Exome Variant Server). The G860S variant is a non-conservative amino acid substitution, which is likely to impact secondary protein structure as these residues differ in polarity, charge, size and/or other properties. This substitution occurs at a position that is conserved in mammals, and in silico analysis predicts this variant is probably damaging to the protein structure/function. We interpret G860S as a likely pathogenic variant.